The following is an entry in ClinVar:

ClinVar aggregate classification (germline): Pathogenic. Review status: criteria provided, multiple submitters, no conflicts (2 of 4 stars). 6 submissions from 6 submitters: Pathogenic (5). 1 of the submissions does not count toward it. Last evaluated 2023-02-13.

Conditions:
Hereditary cancer-predisposing syndrome. Also called: Tumor predisposition; Hereditary Cancer Syndrome; Hereditary neoplastic syndrome; Neoplastic Syndromes, Hereditary. Identifiers: Orphanet 140162, MedGen C0027672, MeSH D009386, MONDO:0015356.
Familial adenomatous polyposis 1 (FAP1). Also called: FAMILIAL ADENOMATOUS POLYPOSIS 1, ATTENUATED; POLYPOSIS, ADENOMATOUS INTESTINAL. Identifiers: MedGen C2713442, MONDO:0021056, OMIM 175100. Disease mechanism: loss of function.

Submissions (6):

Myriad Genetics, Inc.
Classification: Pathogenic for Familial adenomatous polyposis 1. Last evaluated: 2023-02-13. Review status: criteria provided, single submitter. Criteria: Myriad Autosomal Dominant, Autosomal Recessive and X-Linked Classification Criteria (2023). Collection method: clinical testing. Allele origin: unknown.
Comment: This variant is considered pathogenic. This variant creates a termination codon and is predicted to result in premature protein truncation.

Division of Medical Genetics, University of Washington
Classification: Pathogenic for Familial adenomatous polyposis 1. Last evaluated: 2019-10-10. Review status: criteria provided, single submitter. Criteria: ACMG Guidelines, 2015. Collection method: clinical testing. Allele origin: germline. Affected: no. Study: CSER_CHARM.
Comment: This variant creates a premature termination codon. The variant transcript is predicted to be unstable and degraded by nonsense-mediated decay. Loss of expression of one allele of APC is a well-established mechanism of disease for FAP (De la Fuente 2007, Lagarde 2010). This variant has been reported in the literature in individuals with FAP (Miyoshi 1992, Andresen 2009). This variant is not present in population databases. Thus, this variant is interpreted as pathogenic. PM2; PVS1

Labcorp Genetics (formerly Invitae), Labcorp
Classification: Pathogenic for Familial adenomatous polyposis 1. Last evaluated: 2019-06-19. Review status: criteria provided, single submitter. Criteria: Invitae Variant Classification Sherloc (09022015). Collection method: clinical testing. Allele origin: germline.
Comment: For these reasons, this variant has been classified as Pathogenic. This variant is expected to disrupt the EB1 and HDLG binding sites, which mediate interactions with the cytoskeleton (PMID: 15311282, 17293347). While functional studies have not been performed to directly test the effect on APC protein function, this suggests that disruption of the C-terminal portion of the protein is functionally important. This sequence change results in a premature translational stop signal in the APC gene (p.Gln1175*). While this is not anticipated to result in nonsense mediated decay, it is expected to disrupt the last 1669 amino acids of the APC protein. This variant is not present in population databases (ExAC no frequency). This variant has been reported in individuals affected with familial adenomatous polyposis (PMID: 1316610, 19444466, 27158207). A different truncation (p.Tyr2645Lysfs*14) that lies downstream of this variant has been determined to be pathogenic (PMID: 9824584, 1316610, 27081525, 8381579, 22135120, Invitae). This suggests that deletion of this region of the APC protein is causative of disease.

ARUP Laboratories, Molecular Genetics and Genomics, ARUP Laboratories
Classification: Pathogenic. Last evaluated: 2018-10-04. Review status: criteria provided, single submitter. Criteria: ARUP Molecular Germline Variant Investigation Process. Collection method: clinical testing. Allele origin: germline.
Comment: The APC c.3523C>T; p.Gln1175Ter variant is reported in the literature in multiple individuals affected with familial adenomatous polyposis (Andresen 2009, Jung 2016, Michils 2002, Miyoshi 1992). This variant is reported as pathogenic in ClinVar (Variation ID: 537459), and is absent from general population databases (1000 Genomes Project, Exome Variant Server, and Genome Aggregation Database), indicating it is not a common polymorphism. This variant results in a premature termination codon in the last exon of the APC gene. While this may not lead to nonsense-mediated decay, it is expected to create a truncated protein. Additionally, other nonsense variants downstream of this variant have been reported in individuals with familial adenomatous polyposis and are considered pathogenic (Andresen 2009, Jung 2016, Michils 2002, Miyoshi 1992). Based on available information, the p.Gln1175Ter variant is considered to be pathogenic. References: Andresen PA et al. APC mutation spectrum of Norwegian familial adenomatous polyposis families: high ratio of novel mutations. J Cancer Res Clin Oncol. 2009 Oct;135(10):1463-70. Jung SM et al. Clinicopathological features of familial adenomatous polyposis in Korean patients. World J Gastroenterol. 2016 May 7;22(17):4380-8. Michils G et al. Pathogenic mutations and rare variants of the APC gene identified in 75 Belgian patients with familial adenomatous polyposis by fluorescent enzymatic mutation detection (EMD). Eur J Hum Genet. 2002 Sep;10(9):505-10. Miyoshi Y et al. Germ-line mutations of the APC gene in 53 familial adenomatous polyposis patients. Proc Natl Acad Sci U S A. 1992 May 15;89(10):4452-6.

Ambry Genetics
Classification: Pathogenic for Hereditary cancer-predisposing syndrome. Last evaluated: 2015-12-04. Review status: criteria provided, single submitter. Criteria: Ambry Variant Classification Scheme 2023. Collection method: clinical testing. Allele origin: germline.
Comment: The p.Q1175* pathogenic mutation (also known as c.3523C>T), located in coding exon 15 of the APC gene, results from a C to T substitution at nucleotide position 3523. This changes the amino acid from a glutamine to a stop codon within coding exon 15. This pathogenic mutation has been reported in multiple individuals diagnosed with FAP or AFAP (Miyoshi Y et al. Proc. Natl. Acad. Sci. U.S.A.1992 May; 89(10):4452-6; Michils G et al. Eur. J. Hum. Genet. 2002 Sep; 10(9):505-10.). In addition to the clinical data presented in the literature, since premature stop codons are typically deleterious in nature, this alteration is interpreted as a disease-causing mutation (ACMG Recommendations for Standards for Interpretation and Reporting of Sequence Variations. Revision 2007. Genet Med. 2008;10:294).

Counsyl
Classification: Pathogenic for Familial adenomatous polyposis 1. Last evaluated: 2017-10-03. Review status: no assertion criteria provided. Collection method: clinical testing. Allele origin: unknown. Not counted in ClinVar's aggregate classification.

Literature cited by the submitters: PubMed 15311282 (cited by Labcorp Genetics (formerly Invitae), Labcorp); PubMed 17293347 (cited by Labcorp Genetics (formerly Invitae), Labcorp); PubMed 1316610 (cited by 3 submitters); PubMed 19444466 (cited by Labcorp Genetics (formerly Invitae), Labcorp and Counsyl); PubMed 27158207 (cited by Labcorp Genetics (formerly Invitae), Labcorp and Counsyl); PubMed 9824584 (cited by Labcorp Genetics (formerly Invitae), Labcorp); PubMed 27081525 (cited by Labcorp Genetics (formerly Invitae), Labcorp); PubMed 8381579 (cited by Labcorp Genetics (formerly Invitae), Labcorp); PubMed 22135120 (cited by Labcorp Genetics (formerly Invitae), Labcorp); PubMed 12173026 (cited by Ambry Genetics and Counsyl).

NM_000038.6(APC):c.3523C>T (p.Gln1175Ter)

Gene: APC (APC regulator of Wnt signaling pathway; plus strand). Cytogenetic location: 5q22.2.
Variant type: single nucleotide variant.
Coding change: c.3523C>T on transcript NM_000038.6 (MANE Select); coding-DNA position 3523, C replaced by T.
Protein change: p.Gln1175Ter; replaces glutamine 1175 with a stop codon.
Molecular consequence: nonsense.
Genome position (GRCh38, 1-based): chr5:112,839,117, C>T. VCF-style: chr5-112839117-C-T. GRCh37 (hg19) VCF-style: chr5-112174814-C-T.
Other names: c.3523C>T, p.Gln1175Ter (NM_001127510.3, NM_001354895.2); c.3469C>T, p.Gln1157Ter (NM_001127511.3); c.3577C>T, p.Gln1193Ter (NM_001354896.2); c.3553C>T, p.Gln1185Ter (NM_001354897.2); c.3448C>T, p.Gln1150Ter (NM_001354898.2); c.3439C>T, p.Gln1147Ter (NM_001354899.2); c.3400C>T, p.Gln1134Ter (NM_001354900.2); c.3346C>T, p.Gln1116Ter (NM_001354901.2); and 5 more; short protein forms Q1175*, Q1157*, Q1049*, Q1074*, Q1185*, Q1084*, Q1134*, Q1116*.
Identifiers: ClinVar variation 537459 (VCV000537459.23), dbSNP rs1554085081, ClinGen allele CA16029073.